The following is an entry in ClinVar:

NM_000082.4(ERCC8):c.101_104del (p.Lys34fs)

Gene: ERCC8 (ERCC excision repair 8, CSA ubiquitin ligase complex subunit; minus strand). Cytogenetic location: 5q12.1.
Variant type: Deletion.
Coding change: c.101_104del on transcript NM_000082.4 (MANE Select); coding-DNA positions 101 to 104, 4 bases deleted (AAGA; older notation c.101_104delAAGA).
Protein change: p.Lys34fs; shifts the reading frame from lysine 34.
Molecular consequence: frameshift variant. On other transcripts: 5 prime UTR variant (2).
Genome position (GRCh38, 1-based): chr5:60,928,933-60,928,936, TCTT deleted on the plus strand (AAGA on the coding strand, the reverse complement: ERCC8 is on the minus strand); deleting any 4 consecutive bases within chr5:60,928,933-60,928,937 gives the same sequence; the c. name uses the placement nearest the transcript's 3' end. VCF-style (leftmost placement, unchanged base first): chr5-60928932-GTCTT-G. GRCh37 (hg19) VCF-style: chr5-60224759-GTCTT-G.
Other names: c.-292_-289del (NM_001007233.3); c.101_104del, p.Lys34fs (NM_001007234.3); c.-277_-274del (NM_001290285.2); short protein forms K34fs.
Identifiers: ClinVar variation 1459262 (VCV001459262.6), dbSNP rs2112532297, ClinGen allele CA2573139751.

ClinVar aggregate classification (germline): Pathogenic (1 of 4 stars; one submission).

Submission:

Labcorp Genetics (formerly Invitae), Labcorp
Classification: Pathogenic. Last evaluated: 2021-03-23. Review status: criteria provided, single submitter. Criteria: Invitae Variant Classification Sherloc (09022015). Collection method: clinical testing. Allele origin: germline.
Comment: This sequence change creates a premature translational stop signal (p.Lys34Thrfs*33) in the ERCC8 gene. It is expected to result in an absent or disrupted protein product. Loss-of-function variants in ERCC8 are known to be pathogenic (PMID: 29572252). This variant is not present in population databases (ExAC no frequency). This variant has not been reported in the literature in individuals with ERCC8-related conditions. For these reasons, this variant has been classified as Pathogenic.

Literature cited by the submitters: PubMed 29572252.